The following is an entry in ClinVar:

NM_152564.5(VPS13B):c.11180G>A (p.Arg3727Gln)

Gene: VPS13B (vacuolar protein sorting 13 homolog B; plus strand). Cytogenetic location: 8q22.2.
Variant type: single nucleotide variant.
Coding change: c.11180G>A on transcript NM_152564.5 (MANE Select); coding-DNA position 11180, G replaced by A.
Protein change: p.Arg3727Gln; replaces arginine 3727 with glutamine.
Molecular consequence: missense variant.
Genome position (GRCh38, 1-based): chr8:99,861,911, G>A. VCF-style: chr8-99861911-G-A. GRCh37 (hg19) VCF-style: chr8-100874139-G-A.
Other names: c.11180G>A (NM_152564.4); c.11255G>A, p.Arg3752Gln (NM_017890.5); short protein forms R3727Q, R3752Q.
Identifiers: ClinVar variation 445591 (VCV000445591.8), dbSNP rs913075497, ClinGen allele CA182321626.

ClinVar aggregate classification (germline): Uncertain significance. Review status: criteria provided, multiple submitters, no conflicts (2 of 4 stars). 6 submissions from 6 submitters: Uncertain significance (5). 1 of the submissions does not count toward it. Last evaluated 2026-03-04.

Conditions:
VPS13B-related disorder. Also called: VPS13B-related condition.
Inborn genetic diseases. Identifiers: MedGen C0950123, MeSH D030342.
Cohen syndrome (COH1). Also called: PEPPER SYNDROME; Cutis verticis gyrata, retinitis pigmentosa, and sensorineural deafness. Identifiers: Orphanet 193, MedGen C0265223, MONDO:0008999, OMIM 216550.

Allele frequency attached by ClinVar (database versions not stated): gnomAD 0.00001; gnomAD exomes 0.00002; TOPMed 0.00003.
gnomAD v4.1: 112 of 1,597,238 alleles (0.007%); highest among the groups gnomAD compares: Middle Eastern, 0.017%; no homozygotes.

Submissions (6):

PreventionGenetics, part of Exact Sciences
Classification: Uncertain significance for VPS13B-related condition. Last evaluated: 2026-03-04. Review status: criteria provided, single submitter. Criteria: ACMG Guidelines, 2015. Collection method: clinical testing. Allele origin: germline.
Comment: The VPS13B c.11180G>A variant is predicted to result in the amino acid substitution p.Arg3727Gln. To our knowledge, this variant has not been reported in the literature. This variant is reported in 0.0037% of alleles in individuals of South Asian descent in gnomAD. At this time, the clinical significance of this variant is uncertain due to the absence of conclusive functional and genetic evidence.

Labcorp Genetics (formerly Invitae), Labcorp
Classification: Uncertain significance for Cohen syndrome. Last evaluated: 2022-06-20. Review status: criteria provided, single submitter. Criteria: Invitae Variant Classification Sherloc (09022015). Collection method: clinical testing. Allele origin: germline.
Comment: This sequence change replaces arginine, which is basic and polar, with glutamine, which is neutral and polar, at codon 3752 of the VPS13B protein (p.Arg3752Gln). This variant is present in population databases (no rsID available, gnomAD 0.004%). This variant has not been reported in the literature in individuals affected with VPS13B-related conditions. ClinVar contains an entry for this variant (Variation ID: 445591). Algorithms developed to predict the effect of missense changes on protein structure and function are either unavailable or do not agree on the potential impact of this missense change (SIFT: "Not Available"; PolyPhen-2: "Possibly Damaging"; Align-GVGD: "Not Available"). In summary, the available evidence is currently insufficient to determine the role of this variant in disease. Therefore, it has been classified as a Variant of Uncertain Significance.

New York Genome Center
Classification: Uncertain significance for Cohen syndrome. Last evaluated: 2022-04-11. Review status: criteria provided, single submitter. Criteria: NYGC Assertion Criteria 2020. Collection method: clinical testing. Allele origin: germline. Observed: 1 variant allele.

Ambry Genetics
Classification: Uncertain significance for Inborn genetic diseases. Last evaluated: 2017-12-17. Review status: criteria provided, single submitter. Criteria: Ambry Variant Classification Scheme 2023. Collection method: clinical testing. Allele origin: germline.
Comment: The p.R3752Q variant (also known as c.11255G>A), located in coding exon 57 of the VPS13B gene, results from a G to A substitution at nucleotide position 11255. The arginine at codon 3752 is replaced by glutamine, an amino acid with highly similar properties. This amino acid position is highly conserved in available vertebrate species. In addition, the in silico prediction for this alteration is inconclusive. Since supporting evidence is limited at this time, the clinical significance of this alteration remains unclear.

Center for Pediatric Genomic Medicine, Children's Mercy Hospital and Clinics
Classification: Uncertain significance. Last evaluated: 2017-03-30. Review status: criteria provided, single submitter. Criteria: ACMG Guidelines, 2015. Collection method: clinical testing. Allele origin: germline.

Natera, Inc.
Classification: Uncertain significance for Cohen syndrome. Last evaluated: 2020-01-24. Review status: no assertion criteria provided. Collection method: clinical testing. Allele origin: germline. Not counted in ClinVar's aggregate classification.